The following is an entry in ClinVar:

ClinVar aggregate classification (germline): Benign/Likely benign. Review status: criteria provided, multiple submitters, no conflicts (2 of 4 stars). 3 submissions from 3 submitters: Benign (1); Likely benign (2). Last evaluated 2025-11-19.

Conditions:
Hereditary cancer-predisposing syndrome. Also called: Neoplastic Syndromes, Hereditary; Hereditary neoplastic syndrome; Hereditary Cancer Syndrome; Tumor predisposition. Identifiers: Orphanet 140162, MedGen C0027672, MeSH D009386, MONDO:0015356.
Tuberous sclerosis 2 (TSC2). Identifiers: Orphanet 805, MedGen C1860707, MONDO:0013199, OMIM 613254.

Allele frequency attached by ClinVar (database versions not stated): gnomAD exomes below 0.00001.
gnomAD v4.1: 2 of 1,613,570 alleles (0.00012%); highest among the groups gnomAD compares: Non-Finnish European, 0.00017%; no homozygotes.

Submissions (3):

Labcorp Genetics (formerly Invitae), Labcorp
Classification: Likely benign for Tuberous sclerosis 2. Last evaluated: 2025-11-19. Review status: criteria provided, single submitter. Criteria: Invitae Variant Classification Sherloc (09022015). Collection method: clinical testing. Allele origin: germline.

Myriad Genetics, Inc.
Classification: Benign for Tuberous sclerosis 2. Last evaluated: 2025-05-15. Review status: criteria provided, single submitter. Criteria: Myriad Autosomal Dominant, Autosomal Recessive and X-Linked Classification Criteria (2023). Collection method: clinical testing. Allele origin: unknown.
Comment: This variant is considered benign. This variant is a silent/synonymous amino acid change and it is not expected to impact splicing.

Ambry Genetics
Classification: Likely benign for Hereditary cancer-predisposing syndrome. Last evaluated: 2020-06-17. Review status: criteria provided, single submitter. Criteria: Ambry Variant Classification Scheme 2023. Collection method: clinical testing. Allele origin: germline.

NM_000548.5(TSC2):c.1710C>T (p.Ile570=)

Gene: TSC2 (TSC complex subunit 2; plus strand). Cytogenetic location: 16p13.3.
Variant type: single nucleotide variant.
Coding change: c.1710C>T on transcript NM_000548.5 (MANE Select); coding-DNA position 1710, C replaced by T.
Protein change: p.Ile570=; no amino-acid change (isoleucine 570 retained).
Molecular consequence: synonymous variant.
Genome position (GRCh38, 1-based): chr16:2,065,629, C>T. VCF-style: chr16-2065629-C-T. GRCh37 (hg19) VCF-style: chr16-2115630-C-T.
Other names: c.1710C>T, p.Ile570= (NM_001077183.3, NM_001114382.3, NM_001363528.2 and 3 more transcripts); c.1599C>T, p.Ile533= (NM_001318827.2); c.1563C>T, p.Ile521= (NM_001318829.2); c.1110C>T, p.Ile370= (NM_001318831.2); c.1743C>T, p.Ile581= (NM_001318832.2).
Identifiers: ClinVar variation 1081625 (VCV001081625.12), dbSNP rs1470229525, ClinGen allele CA492948022.